The following is an entry in ClinVar:

NM_000388.4(CASR):c.2955C>G (p.Asn985Lys)

Gene: CASR (calcium sensing receptor; plus strand). Cytogenetic location: 3q21.1.
Variant type: single nucleotide variant.
Coding change: c.2955C>G on transcript NM_000388.4 (MANE Select); coding-DNA position 2955, C replaced by G.
Protein change: p.Asn985Lys; replaces asparagine 985 with lysine.
Molecular consequence: missense variant.
Genome position (GRCh38, 1-based): chr3:122,284,909, C>G. VCF-style: chr3-122284909-C-G. GRCh37 (hg19) VCF-style: chr3-122003756-C-G.
Other names: c.2985C>G, p.Asn995Lys (NM_001178065.2); short protein forms N985K, N995K.
Identifiers: ClinVar variation 1798096 (VCV001798096.2), dbSNP rs199884115, ClinGen allele CA354161138.

ClinVar aggregate classification (germline): Uncertain significance (1 of 4 stars; one submission).

Conditions:
Nephrolithiasis/nephrocalcinosis. Identifiers: MedGen CN580796.

gnomAD v4.1: 1 of 1,614,180 alleles (0.000062%); highest among the groups gnomAD compares: Non-Finnish European, 0.000085%; no homozygotes.

Submission:

Ambry Genetics
Classification: Uncertain significance for Nephrolithiasis/nephrocalcinosis. Last evaluated: 2022-03-27. Review status: criteria provided, single submitter. Criteria: Ambry Variant Classification Scheme 2023. Collection method: clinical testing. Allele origin: germline.
Comment: The p.N985K variant (also known as c.2955C>G), located in coding exon 6 of the CASR gene, results from a C to G substitution at nucleotide position 2955. The asparagine at codon 985 is replaced by lysine, an amino acid with similar properties. This amino acid position is conserved. In addition, this alteration is predicted to be tolerated by in silico analysis. Since supporting evidence is limited at this time, the clinical significance of this alteration remains unclear.